The following is an entry in ClinVar:

NM_138694.4(PKHD1):c.8581A>G (p.Ser2861Gly)

Gene: PKHD1 (PKHD1 ciliary IPT domain containing fibrocystin/polyductin; minus strand). Cytogenetic location: 6p12.3.
Variant type: single nucleotide variant.
Coding change: c.8581A>G on transcript NM_138694.4 (MANE Select); coding-DNA position 8581, A replaced by G.
Protein change: p.Ser2861Gly; replaces serine 2861 with glycine.
Molecular consequence: missense variant.
Genome position (GRCh38, 1-based): chr6:51,772,763, T>C on the plus strand (A>G on the coding strand, the complement: PKHD1 is on the minus strand). VCF-style: chr6-51772763-T-C. GRCh37 (hg19) VCF-style: chr6-51637561-T-C.
Other names: NM_138694.3(PKHD1):c.8581A>G(p.Ser2861Gly); NM_170724.2(PKHD1):c.8581A>G(p.Ser2861Gly); c.8581A>G, p.Ser2861Gly (NM_170724.3); short protein forms S2861G.
Identifiers: ClinVar variation 215542 (VCV000215542.54), dbSNP rs150925674, ClinGen allele CA337220.

ClinVar aggregate classification (germline): Conflicting classifications of pathogenicity. Review status: criteria provided, conflicting classifications (1 of 4 stars). 15 submissions from 15 submitters: Uncertain significance (1); Benign (4); Likely benign (6). 4 of the submissions do not count toward it. Last evaluated 2026-03-01.

Conditions:
Autosomal recessive polycystic kidney disease (ARPKD). Also called: AR polycystic kidney disease. Identifiers: Orphanet 731, Orphanet 8378, MedGen C0085548, MeSH D017044, MONDO:0009889.
Polycystic kidney disease 4 (PKD4). Also called: POLYCYSTIC KIDNEY DISEASE 4 WITH OR WITHOUT POLYCYSTIC LIVER DISEASE; PKD3; Autosomal Recessive Polycystic Kidney Disease – PKHD1; POLYCYSTIC KIDNEY AND HEPATIC DISEASE 1; POLYCYSTIC KIDNEY DISEASE, INFANTILE, TYPE I. Identifiers: MedGen C4540575, MONDO:0033004, OMIM 263200.

Allele frequency attached by ClinVar (database versions not stated): 1000 Genomes Project 0.00120; 1000 Genomes Project 30x 0.00125; TOPMed 0.00141; ESP Exome Variant Server 0.00192; ExAC 0.00295; gnomAD exomes 0.00305 and 0.00328; gnomAD 0.00329 and 0.00340.
gnomAD v4.1: 4,872 of 1,595,750 alleles (0.31%); highest among the groups gnomAD compares: Non-Finnish European, 0.27%; 23 homozygotes.

Submissions (16):

CeGaT Center for Human Genetics Tuebingen
Classification: Likely benign. Last evaluated: 2026-03-01. Review status: criteria provided, single submitter. Criteria: CeGaT Center For Human Genetics Tuebingen Variant Classification Criteria Version 2. Collection method: clinical testing. Allele origin: germline. Affected: yes. Observed: 7 variant alleles.
Comment: PKHD1: BP4

Labcorp Genetics (formerly Invitae), Labcorp
Classification: Benign for Autosomal recessive polycystic kidney disease. Last evaluated: 2026-01-27. Review status: criteria provided, single submitter. Criteria: Invitae Variant Classification Sherloc (09022015). Collection method: clinical testing. Allele origin: germline.

Mayo Clinic Laboratories, Mayo Clinic
Classification: Likely benign. Last evaluated: 2025-10-10. Review status: criteria provided, single submitter. Criteria: ACMG Guidelines, 2015. Collection method: clinical testing. Allele origin: germline. Observed: 1 variant allele.
Comment: BS1, BP2

Department of Pathology and Laboratory Medicine, Sinai Health System
Classification: Likely benign for Polycystic kidney disease 4. Last evaluated: 2021-08-26. Review status: criteria provided, single submitter. Criteria: ACMG Guidelines, 2015. Collection method: clinical testing. Allele origin: germline. Affected: yes.

GeneDx
Classification: Likely benign. Last evaluated: 2021-05-20. Review status: criteria provided, single submitter. Criteria: GeneDx Variant Classification Process June 2021. Collection method: clinical testing. Allele origin: germline. Affected: yes.
Comment: This variant is associated with the following publications: (PMID: 26695994, 19914852, 12874454, 27225849, 24162162, 23582048, 15805161, 15698423, 14741187, 26385851, 30507656)

Mendelics
Classification: Benign for Polycystic kidney disease 4. Last evaluated: 2019-05-28. Review status: criteria provided, single submitter. Criteria: Mendelics Assertion Criteria 2017. Collection method: clinical testing. Allele origin: unknown.

SIB Swiss Institute of Bioinformatics
Classification: Likely benign for Polycystic kidney disease 4. Last evaluated: 2018-05-31. Review status: criteria provided, single submitter. Criteria: ACMG Guidelines, 2015. Collection method: curation. Allele origin: unknown.
Comment: This variant is interpreted as a Likely Benign, for Polycystic kidney disease 4 with or without polycystic liver disease, in Autosomal Recessive manner. The following ACMG Tag(s) were applied: BP4 => Multiple lines of computational evidence suggest no impact on gene or gene product (conservation, evolutionary, splicing impact, etc.). BS2 => Observed in a healthy adult individual for a recessive (homozygous), dominant (heterozygous), or X-linked (hemizygous) disorder, with full penetrance expected at an early age.

Women's Health and Genetics/Laboratory Corporation of America, LabCorp
Classification: Benign. Last evaluated: 2017-08-21. Review status: criteria provided, single submitter. Criteria: LabCorp Variant Classification Summary - May 2015. Collection method: clinical testing. Allele origin: germline.
Comment: Variant summary: The PKHD1 c.8581A>G (p.Ser2861Gly) variant involves the alteration of a non-conserved nucleotide and 2/3 in silico tools (SNPsandGO and Mutation Taster not captured due to low reliability index and p-value, respectively) predict a benign outcome for this variant. This variant was found in 1011/276778 control chromosomes, predominantly observed in the European (Finnish) subpopulation at a frequency of 0.019838 (509/25658). This frequency is about 3 times the estimated maximal expected allele frequency of a pathogenic PKHD1 variant (0.0070711), suggesting this is likely a benign polymorphism found primarily in the populations of European (Finnish) origin. The variant of interest has been reported in multiple affected individuals including individuals that were compound heterozygotes for two pathogenic variants, further supporting the variant of interest being in the benign spectrum. The reports of its occurence in cis with another pathogenic variant in patients with a confirmed second disease causing variation, provides further supporting evidence in favor of its benign outcome. In addition, multiple clinical diagnostic laboratories/reputable databases classified this variant as "likely benign/benign." Taken together, this variant is classified as Benign.

Illumina Laboratory Services, Illumina
Classification: Uncertain significance for Polycystic kidney disease 4. Last evaluated: 2017-04-27. Review status: criteria provided, single submitter. Criteria: ICSL Variant Classification Criteria 13 December 2019. Collection method: clinical testing. Allele origin: germline.
Comment: This variant was observed as part of a predisposition screen in an ostensibly healthy population. A literature search was performed for the gene, cDNA change, and amino acid change (where applicable). Publications were found based on this search. However, the evidence from the literature, in combination with allele frequency data from public databases where available, was not sufficient to rule this variant in or out of causing disease. Therefore, this variant is classified as a variant of unknown significance.

Eurofins Ntd Llc (ga)
Classification: Benign. Last evaluated: 2015-10-28. Review status: criteria provided, single submitter. Criteria: EGL Classification Definitions 2015. Collection method: clinical testing. Allele origin: germline. Observed: 3 variant alleles, 3 heterozygotes.

PreventionGenetics, part of Exact Sciences
Classification: Likely benign. Review status: criteria provided, single submitter. Criteria: ACMG Guidelines, 2015. Collection method: clinical testing. Allele origin: germline.

Natera, Inc.
Classification: Benign for Autosomal recessive polycystic kidney disease. Last evaluated: 2020-09-16. Review status: no assertion criteria provided. Collection method: clinical testing. Allele origin: germline. Not counted in ClinVar's aggregate classification.

Clinical Genetics DNA and cytogenetics Diagnostics Lab, Erasmus MC, Erasmus Medical Center
Classification: Likely benign. Review status: no assertion criteria provided. Collection method: clinical testing. Allele origin: germline. Affected: yes. Study: VKGL Data-share Consensus. Not counted in ClinVar's aggregate classification.

Dr. Peter K. Rogan Lab, Western University
No classification provided (evidence only). Condition: Sarcoma. Review status: no classification provided. Collection method: in vitro. Allele origin: not applicable. Functional consequence: retained intron. Not counted in ClinVar's aggregate classification.

Genome Diagnostics Laboratory, University Medical Center Utrecht
Classification: Likely benign. Review status: no assertion criteria provided. Collection method: clinical testing. Allele origin: germline. Affected: yes. Study: VKGL Data-share Consensus. Not counted in ClinVar's aggregate classification.

Laboratory of Diagnostic Genome Analysis, Leiden University Medical Center (LUMC)
Classification: Likely benign. Review status: no assertion criteria provided. Collection method: clinical testing. Allele origin: germline. Affected: yes. Study: VKGL Data-share Consensus. Not counted in ClinVar's aggregate classification.

Literature cited by the submitters: PubMed 12874454 (cited by 3 submitters); PubMed 15698423 (cited by 3 submitters); PubMed 15805161 (cited by Mayo Clinic Laboratories, Mayo Clinic and Illumina Laboratory Services, Illumina); PubMed 20413436 (cited by Mayo Clinic Laboratories, Mayo Clinic); PubMed 23582048 (cited by Mayo Clinic Laboratories, Mayo Clinic and Women's Health and Genetics/Laboratory Corporation of America, LabCorp); PubMed 24162162 (cited by 3 submitters); PubMed 26695994 (cited by Mayo Clinic Laboratories, Mayo Clinic and Women's Health and Genetics/Laboratory Corporation of America, LabCorp); PubMed 27225849 (cited by Mayo Clinic Laboratories, Mayo Clinic and Women's Health and Genetics/Laboratory Corporation of America, LabCorp); PubMed 30476936 (cited by Mayo Clinic Laboratories, Mayo Clinic); PubMed 19914852 (cited by Illumina Laboratory Services, Illumina); PubMed 14741187 (cited by Illumina Laboratory Services, Illumina).